The following is an entry in ClinVar:

ClinVar aggregate classification (germline): Conflicting classifications of pathogenicity. Review status: criteria provided, conflicting classifications (1 of 4 stars). 3 submissions from 3 submitters: Uncertain significance (2); Likely benign (1). Last evaluated 2025-08-21.

Conditions:
COG1 congenital disorder of glycosylation (CDG2G). Also called: CONGENITAL DISORDER OF GLYCOSYLATION, TYPE IIg; CDG IIg; CDGII/COG1 CEREBROCOSTOMANDIBULAR-LIKE SYNDROME. Identifiers: Orphanet 263508, MedGen C2931011, MONDO:0012637, OMIM 611209.
Inborn genetic diseases. Identifiers: MedGen C0950123, MeSH D030342.

Allele frequency attached by ClinVar (database versions not stated): gnomAD 0.00003 and 0.00004; TOPMed 0.00004; ExAC 0.00005.
gnomAD v4.1: 47 of 1,614,068 alleles (0.0029%); highest among the groups gnomAD compares: Admixed American, 0.01%; no homozygotes.

Submissions (3):

Labcorp Genetics (formerly Invitae), Labcorp
Classification: Uncertain significance for COG1 congenital disorder of glycosylation. Last evaluated: 2025-08-21. Review status: criteria provided, single submitter. Criteria: Invitae Variant Classification Sherloc (09022015). Collection method: clinical testing. Allele origin: germline.
Comment: This sequence change replaces arginine, which is basic and polar, with glutamine, which is neutral and polar, at codon 586 of the COG1 protein (p.Arg586Gln). This variant is present in population databases (rs769310036, gnomAD 0.01%). This variant has not been reported in the literature in individuals affected with COG1-related conditions. ClinVar contains an entry for this variant (Variation ID: 892410). Invitae Evidence Modeling of protein sequence and biophysical properties (such as structural, functional, and spatial information, amino acid conservation, physicochemical variation, residue mobility, and thermodynamic stability) indicates that this missense variant is not expected to disrupt COG1 protein function with a negative predictive value of 80%. In summary, the available evidence is currently insufficient to determine the role of this variant in disease. Therefore, it has been classified as a Variant of Uncertain Significance.

Ambry Genetics
Classification: Likely benign for Inborn genetic diseases. Last evaluated: 2025-06-10. Review status: criteria provided, single submitter. Criteria: Ambry Variant Classification Scheme 2023. Collection method: clinical testing. Allele origin: germline.

Illumina Laboratory Services, Illumina
Classification: Uncertain significance for COG1 congenital disorder of glycosylation. Last evaluated: 2018-01-12. Review status: criteria provided, single submitter. Criteria: ICSL Variant Classification Criteria 13 December 2019. Collection method: clinical testing. Allele origin: germline.

NM_018714.3(COG1):c.1757G>A (p.Arg586Gln)

Gene: COG1 (component of oligomeric golgi complex 1; plus strand). Cytogenetic location: 17q25.1.
Variant type: single nucleotide variant.
Coding change: c.1757G>A on transcript NM_018714.3 (MANE Select); coding-DNA position 1757, G replaced by A.
Protein change: p.Arg586Gln; replaces arginine 586 with glutamine.
Molecular consequence: missense variant.
Genome position (GRCh38, 1-based): chr17:73,201,584, G>A. VCF-style: chr17-73201584-G-A. GRCh37 (hg19) VCF-style: chr17-71197723-G-A.
Other names: short protein forms R586Q.
Identifiers: ClinVar variation 892410 (VCV000892410.9), dbSNP rs769310036, ClinGen allele CA8740285.